The following is an entry in ClinVar:

NM_020166.5(MCCC1):c.71G>C (p.Ser24Thr)

Gene: MCCC1 (methylcrotonyl-CoA carboxylase subunit 1; minus strand). Cytogenetic location: 3q27.1.
Variant type: single nucleotide variant.
Coding change: c.71G>C on transcript NM_020166.5 (MANE Select); coding-DNA position 71, G replaced by C.
Protein change: p.Ser24Thr; replaces serine 24 with threonine.
Molecular consequence: missense variant. On other transcripts: 5 prime UTR variant (2), non-coding transcript variant (1).
Genome position (GRCh38, 1-based): chr3:183,099,370, C>G on the plus strand (G>C on the coding strand, the complement: MCCC1 is on the minus strand). VCF-style: chr3-183099370-C-G. GRCh37 (hg19) VCF-style: chr3-182817158-C-G.
Other names: c.-22G>C (NM_001293273.2); c.-120G>C (NM_001363880.1); c.71G>C (NM_020166.3); short protein forms S24T.
Identifiers: ClinVar variation 1024958 (VCV001024958.10), dbSNP rs762409158, ClinGen allele CA2719234.
Genomic context (GRCh38, chr3:183,099,370, plus strand): 5'-CGCTCCCGCCTCTGCCCACTGAGCCATGGCCCCTCCACCCACCTCGGCGGCAGGAGCAGG[C>G]TCGGGAGACGATGCCACCGGTTCCTCTCCGCCGCCACCAGCAGCACCGACACCGCAGAGG-3'
Protein context (NP_064551.3, residues 14-34): AERNRWHRLP[Ser24Thr]LLLPPRTWVW

ClinVar aggregate classification (germline): Uncertain significance. Review status: criteria provided, multiple submitters, no conflicts (2 of 4 stars). 3 submissions from 3 submitters: Uncertain significance (2). 1 of the submissions does not count toward it. Last evaluated 2024-02-28.

Conditions:
Inborn genetic diseases. Identifiers: MedGen C0950123, MeSH D030342.
3-methylcrotonyl-CoA carboxylase 1 deficiency (MCC1D). Also called: MCC 1 deficiency; 3 Alpha methylcrotonylglycinuria 1; MCCD TYPE 1; METHYLCROTONYLGLYCINURIA TYPE I. Identifiers: Orphanet 6, MedGen CN028786, MONDO:0008861, OMIM 210200.

Allele frequency attached by ClinVar (database versions not stated): gnomAD exomes 0.00003 and 0.00008; gnomAD 0.00005; ExAC 0.00006; TOPMed 0.00006.
gnomAD v4.1: 122 of 1,601,620 alleles (0.0076%); highest among the groups gnomAD compares: Non-Finnish European, 0.01%; no homozygotes.

Submissions (3):

Ambry Genetics
Classification: Uncertain significance for Inborn genetic diseases. Last evaluated: 2024-02-28. Review status: criteria provided, single submitter. Criteria: Ambry Variant Classification Scheme 2023. Collection method: clinical testing. Allele origin: germline.

Labcorp Genetics (formerly Invitae), Labcorp
Classification: Uncertain significance for 3-methylcrotonyl-CoA carboxylase 1 deficiency. Last evaluated: 2022-05-17. Review status: criteria provided, single submitter. Criteria: Invitae Variant Classification Sherloc (09022015). Collection method: clinical testing. Allele origin: germline.
Comment: This sequence change replaces serine, which is neutral and polar, with threonine, which is neutral and polar, at codon 24 of the MCCC1 protein (p.Ser24Thr). This variant is present in population databases (rs762409158, gnomAD 0.007%). This variant has not been reported in the literature in individuals affected with MCCC1-related conditions. ClinVar contains an entry for this variant (Variation ID: 1024958). Algorithms developed to predict the effect of missense changes on protein structure and function (SIFT, PolyPhen-2, Align-GVGD) all suggest that this variant is likely to be tolerated. In summary, the available evidence is currently insufficient to determine the role of this variant in disease. Therefore, it has been classified as a Variant of Uncertain Significance.

Natera, Inc.
Classification: Uncertain significance for 3-methylcrotonyl-CoA carboxylase 1 deficiency. Last evaluated: 2020-12-03. Review status: no assertion criteria provided. Collection method: clinical testing. Allele origin: germline. Not counted in ClinVar's aggregate classification.